The following is an entry in ClinVar:

ClinVar aggregate classification (germline): Uncertain significance (1 of 4 stars; one submission).

Conditions:
Hereditary sensory neuropathy-deafness-dementia syndrome. Also called: NEUROPATHY, HEREDITARY SENSORY, WITH HEARING LOSS AND DEMENTIA; Hereditary Sensory and Autonomic Neuropathy Type 1E (HSAN1E); Hereditary sensory neuropathy type IE; HSN IE. Identifiers: Orphanet 456318, MedGen C3279885, MONDO:0013584, OMIM 614116.

Allele frequency attached by ClinVar (database versions not stated): gnomAD exomes below 0.00001; gnomAD 0.00001.
gnomAD v4.1: 4 of 1,613,812 alleles (0.00025%); highest among the groups gnomAD compares: Non-Finnish European, 0.00034%; no homozygotes.

Submission:

Labcorp Genetics (formerly Invitae), Labcorp
Classification: Uncertain significance for Hereditary sensory neuropathy-deafness-dementia syndrome. Last evaluated: 2023-05-05. Review status: criteria provided, single submitter. Criteria: Invitae Variant Classification Sherloc (09022015). Collection method: clinical testing. Allele origin: germline.
Comment: In summary, the available evidence is currently insufficient to determine the role of this variant in disease. Therefore, it has been classified as a Variant of Uncertain Significance. Advanced modeling of protein sequence and biophysical properties (such as structural, functional, and spatial information, amino acid conservation, physicochemical variation, residue mobility, and thermodynamic stability) performed at Invitae indicates that this missense variant is not expected to disrupt DNMT1 protein function. This variant has not been reported in the literature in individuals affected with DNMT1-related conditions. This variant is present in population databases (no rsID available, gnomAD 0.007%). This sequence change replaces arginine, which is basic and polar, with tryptophan, which is neutral and slightly polar, at codon 1226 of the DNMT1 protein (p.Arg1226Trp).

NM_001130823.3(DNMT1):c.3676C>T (p.Arg1226Trp)

Gene: DNMT1 (DNA methyltransferase 1; minus strand). Cytogenetic location: 19p13.2.
Variant type: single nucleotide variant.
Coding change: c.3676C>T on transcript NM_001130823.3 (MANE Select); coding-DNA position 3676, C replaced by T.
Protein change: p.Arg1226Trp; replaces arginine 1226 with tryptophan.
Molecular consequence: missense variant.
Genome position (GRCh38, 1-based): chr19:10,140,176, G>A on the plus strand (C>T on the coding strand, the complement: DNMT1 is on the minus strand). VCF-style: chr19-10140176-G-A. GRCh37 (hg19) VCF-style: chr19-10250852-G-A.
Other names: c.3628C>T, p.Arg1210Trp (NM_001318730.2, NM_001379.4); c.3313C>T, p.Arg1105Trp (NM_001318731.2); short protein forms R1105W, R1210W, R1226W.
Identifiers: ClinVar variation 3001550 (VCV003001550.3), dbSNP rs1269778997, ClinGen allele CA403972963.